The following is an entry in ClinVar:

ClinVar aggregate classification (germline): Likely pathogenic (1 of 4 stars; one submission).

Conditions:
Mucopolysaccharidosis type 6 (MPS6). Also called: N-ACETYLGALACTOSAMINE-4-SULFATASE DEFICIENCY; MPS VI; MPS 6; Maroteaux Lamy syndrome; ARSB DEFICIENCY; ARYLSULFATASE B DEFICIENCY. Identifiers: Orphanet 583, MedGen C0026709, MONDO:0009661, OMIM 253200.

Submission:

Laboratory of Diagnosis and Therapy of Lysosomal Disorders, University of Padova
Classification: Likely pathogenic for Mucopolysaccharidosis type 6. Last evaluated: 2018-01-01. Review status: criteria provided, single submitter. Criteria: ACMG Guidelines, 2015. Collection method: curation. Allele origin: germline. Affected: yes.
Comment: Frameshift variant (PVS1); Absent from GnomAD (PM2)

Literature cited by the submitters: PubMed 16435196; PubMed 30118150.

NM_000046.5(ARSB):c.1279del (p.Thr427fs)

Gene: ARSB (arylsulfatase B; minus strand). Cytogenetic location: 5q14.1.
Variant type: Deletion.
Coding change: c.1279del on transcript NM_000046.5 (MANE Select); coding-DNA position 1279, one base deleted (A; older notation c.1279delA).
Protein change: p.Thr427fs; shifts the reading frame from threonine 427.
Molecular consequence: frameshift variant.
Genome position (GRCh38, 1-based): chr5:78,781,909, T deleted on the plus strand (A on the coding strand, the reverse complement: ARSB is on the minus strand). VCF-style (leftmost placement, unchanged base first): chr5-78781908-GT-G. GRCh37 (hg19) VCF-style: chr5-78077731-GT-G.
Other names: short protein forms T427fs.
Identifiers: ClinVar variation 559695 (VCV000559695.1), dbSNP rs1554069791, ClinGen allele CA658822426.
Genomic context (GRCh38, chr5:78,781,908, plus strand): 5'-CTACCTGGGTAGCCCGTGAGGAGTTTCCAATTTCCATGTCTAATTGCAGCATGGACAGAT[GT>G]GTTAAAGGCTGAATATTCTGGAAGAGAAGAGTCATCCTTTGCTGGAGCCATGCTGTTCCT-3'